The following is an entry in ClinVar:

ClinVar aggregate classification (germline): Pathogenic. Review status: criteria provided, multiple submitters, no conflicts (2 of 4 stars). 2 submissions from 2 submitters: Pathogenic (2). Last evaluated 2022-03-08.

Conditions:
Duchenne muscular dystrophy (DMD). Also called: MUSCULAR DYSTROPHY, PSEUDOHYPERTROPHIC PROGRESSIVE, DUCHENNE TYPE; Duchenne Muscular Dystrophy (DMD). Identifiers: Orphanet 98896, MedGen C0013264, MONDO:0010679, OMIM 310200.

Submissions (2):

Labcorp Genetics (formerly Invitae), Labcorp
Classification: Pathogenic for Duchenne muscular dystrophy. Last evaluated: 2022-03-08. Review status: criteria provided, single submitter. Criteria: Invitae Variant Classification Sherloc (09022015). Collection method: clinical testing. Allele origin: germline.
Comment: This sequence change creates a premature translational stop signal (p.Lys1280*) in the DMD gene. It is expected to result in an absent or disrupted protein product. Loss-of-function variants in DMD are known to be pathogenic (PMID: 16770791, 25007885). This variant is not present in population databases (gnomAD no frequency). This variant has not been reported in the literature in individuals affected with DMD-related conditions. ClinVar contains an entry for this variant (Variation ID: 196126). For these reasons, this variant has been classified as Pathogenic.

Eurofins Ntd Llc (ga)
Classification: Pathogenic. Last evaluated: 2015-02-02. Review status: criteria provided, single submitter. Criteria: EGL Classification Definitions 2015. Collection method: clinical testing. Allele origin: germline. Observed: 1 variant allele, 1 hemizygote.

Literature cited by the submitters: PubMed 16770791 (cited by Labcorp Genetics (formerly Invitae), Labcorp); PubMed 25007885 (cited by Labcorp Genetics (formerly Invitae), Labcorp).

NM_004006.3(DMD):c.3838A>T (p.Lys1280Ter)

Gene: DMD (dystrophin; minus strand). Cytogenetic location: Xp21.1.
Variant type: single nucleotide variant.
Coding change: c.3838A>T on transcript NM_004006.3 (MANE Select); coding-DNA position 3838, A replaced by T.
Protein change: p.Lys1280Ter; replaces lysine 1280 with a stop codon.
Molecular consequence: nonsense.
Genome position (GRCh38, 1-based): chrX:32,441,263, T>A on the plus strand (A>T on the coding strand, the complement: DMD is on the minus strand). VCF-style: chrX-32441263-T-A. GRCh37 (hg19) VCF-style: chrX-32459380-T-A.
Other names: c.3814A>T, p.Lys1272Ter (NM_000109.4); c.3826A>T, p.Lys1276Ter (NM_004009.3); c.3469A>T, p.Lys1157Ter (NM_004010.3); short protein forms K1280*, K1157*, K1276*, K1272*.
Identifiers: ClinVar variation 196126 (VCV000196126.11), dbSNP rs794727463, ClinGen allele CA275150.
Genomic context (GRCh38, chrX:32,441,263, plus strand): 5'-CAGCTCCGCCAGGAATGTTTTCAGTGGTTTTAAGTTTAAATTCTACTTCATTTAGCCACT[T>A]GTTTGCTTTCTCCAAGTATGACAATAACTCATGCCAACATGCCCAAACTTCCTAAGAAAG-3'